The following is an entry in ClinVar:

ClinVar aggregate classification (germline): Likely benign. Review status: criteria provided, multiple submitters, no conflicts (2 of 4 stars). 2 submissions from 2 submitters: Likely benign (2). Last evaluated 2024-03-06.

Conditions:
Familial adenomatous polyposis 1 (FAP1). Also called: FAMILIAL ADENOMATOUS POLYPOSIS 1, ATTENUATED; POLYPOSIS, ADENOMATOUS INTESTINAL. Identifiers: MedGen C2713442, MONDO:0021056, OMIM 175100. Disease mechanism: loss of function.

Submissions (2):

Myriad Genetics, Inc.
Classification: Likely benign for Familial adenomatous polyposis 1. Last evaluated: 2024-03-06. Review status: criteria provided, single submitter. Criteria: Myriad Autosomal Dominant, Autosomal Recessive and X-Linked Classification Criteria (2023). Collection method: clinical testing. Allele origin: unknown.
Comment: This variant is considered likely benign. This variant is intronic and is not expected to impact mRNA splicing.

Labcorp Genetics (formerly Invitae), Labcorp
Classification: Likely benign for Familial adenomatous polyposis 1. Last evaluated: 2023-10-12. Review status: criteria provided, single submitter. Criteria: Invitae Variant Classification Sherloc (09022015). Collection method: clinical testing. Allele origin: germline.

NM_000038.6(APC):c.1627-9A>G

Gene: APC (APC regulator of Wnt signaling pathway; plus strand). Cytogenetic location: 5q22.2.
Variant type: single nucleotide variant.
Coding change: c.1627-9A>G on transcript NM_000038.6 (MANE Select); 9 bases into the intron before coding-DNA position 1627, A replaced by G.
Molecular consequence: intron variant.
Genome position (GRCh38, 1-based): chr5:112,828,847, A>G. VCF-style: chr5-112828847-A-G. GRCh37 (hg19) VCF-style: chr5-112164544-A-G.
Other names: c.1627-9A>G (NM_001354895.2, NM_001127510.3); c.1657-9A>G (NM_001354897.2); c.1354-9A>G (NM_001354902.2); c.1573-9A>G (NM_001127511.3); c.1552-9A>G (NM_001354898.2); c.1249-9A>G (NM_001354904.2); c.778-9A>G (NM_001354906.2); c.1681-9A>G (NM_001354896.2); and 5 more.
Identifiers: ClinVar variation 1649159 (VCV001649159.9), dbSNP rs2149816758, ClinGen allele CA2573138852.